The following is an entry in ClinVar:

NM_017763.6(RNF43):c.1898G>T (p.Cys633Phe)

Gene: RNF43 (ring finger protein 43; minus strand). Cytogenetic location: 17q22.
Variant type: single nucleotide variant.
Coding change: c.1898G>T on transcript NM_017763.6 (MANE Select); coding-DNA position 1898, G replaced by T.
Protein change: p.Cys633Phe; replaces cysteine 633 with phenylalanine.
Molecular consequence: missense variant.
Genome position (GRCh38, 1-based): chr17:58,357,878, C>A on the plus strand (G>T on the coding strand, the complement: RNF43 is on the minus strand). VCF-style: chr17-58357878-C-A. GRCh37 (hg19) VCF-style: chr17-56435239-C-A.
Other names: c.1898G>T, p.Cys633Phe (NM_001305544.3, NM_001438820.1, NM_001438821.1 and 1 more transcripts); c.1517G>T, p.Cys506Phe (NM_001305545.2, NM_001437987.1); short protein forms C506F, C633F.
Identifiers: ClinVar variation 4841959 (VCV004841959.1).

ClinVar aggregate classification (germline): Uncertain significance (1 of 4 stars; one submission).

Submission:

Ambry Genetics
Classification: Uncertain significance. Last evaluated: 2025-12-15. Review status: criteria provided, single submitter. Criteria: Ambry Variant Classification Scheme 2023. Collection method: clinical testing. Allele origin: germline.
Comment: The p.C633F variant (also known as c.1898G>T), located in coding exon 8 of the RNF43 gene, results from a G to T substitution at nucleotide position 1898. The cysteine at codon 633 is replaced by phenylalanine, an amino acid with highly dissimilar properties. This amino acid position is conserved. In addition, this alteration is predicted to be tolerated by in silico analysis. Based on the available evidence, the clinical significance of this variant remains unclear.